The following is an entry in ClinVar:

NM_000255.4(MMUT):c.447C>A (p.Asp149Glu)

Gene: MMUT (methylmalonyl-CoA mutase; minus strand). Cytogenetic location: 6p12.3.
Variant type: single nucleotide variant.
Coding change: c.447C>A on transcript NM_000255.4 (MANE Select); coding-DNA position 447, C replaced by A.
Protein change: p.Asp149Glu; replaces aspartic acid 149 with glutamic acid.
Molecular consequence: missense variant.
Genome position (GRCh38, 1-based): chr6:49,457,997, G>T on the plus strand (C>A on the coding strand, the complement: MMUT is on the minus strand). VCF-style: chr6-49457997-G-T. GRCh37 (hg19) VCF-style: chr6-49425710-G-T.
Other names: short protein forms D149E.
Identifiers: ClinVar variation 2075530 (VCV002075530.4), dbSNP rs2481347652, ClinGen allele CA364404707.

ClinVar aggregate classification (germline): Uncertain significance (1 of 4 stars; one submission).

Submission:

Labcorp Genetics (formerly Invitae), Labcorp
Classification: Uncertain significance. Last evaluated: 2024-10-29. Review status: criteria provided, single submitter. Criteria: Invitae Variant Classification Sherloc (09022015). Collection method: clinical testing. Allele origin: germline.
Comment: This sequence change replaces aspartic acid, which is acidic and polar, with glutamic acid, which is acidic and polar, at codon 149 of the MUT protein (p.Asp149Glu). This variant is not present in population databases (gnomAD no frequency). This variant has not been reported in the literature in individuals affected with MUT-related conditions. ClinVar contains an entry for this variant (Variation ID: 2075530). Invitae Evidence Modeling of protein sequence and biophysical properties (such as structural, functional, and spatial information, amino acid conservation, physicochemical variation, residue mobility, and thermodynamic stability) indicates that this missense variant is expected to disrupt MUT protein function with a positive predictive value of 95%. In summary, the available evidence is currently insufficient to determine the role of this variant in disease. Therefore, it has been classified as a Variant of Uncertain Significance.